The following is an entry in ClinVar:

NM_022489.4(INF2):c.1524T>G (p.Pro508=)

Gene: INF2 (inverted formin 2; plus strand). Cytogenetic location: 14q32.33.
Variant type: single nucleotide variant.
Coding change: c.1524T>G on transcript NM_022489.4 (MANE Select); coding-DNA position 1524, T replaced by G.
Protein change: p.Pro508=; no amino-acid change (proline 508 retained).
Molecular consequence: synonymous variant.
Genome position (GRCh38, 1-based): chr14:104,707,791, T>G. VCF-style: chr14-104707791-T-G. GRCh37 (hg19) VCF-style: chr14-105174128-T-G.
Other names: c.1524T>G (NM_022489.3); c.1524T>G, p.Pro508= (NM_001031714.4, NM_001426862.1, NM_001426863.1 and 2 more transcripts).
Identifiers: ClinVar variation 2924195 (VCV002924195.5), dbSNP rs1595171517, ClinGen allele CA488715465.

ClinVar aggregate classification (germline): Likely benign. Review status: criteria provided, single submitter (1 of 4 stars). 2 submissions from 2 submitters: Likely benign (1). 1 of the submissions does not count toward it. Last evaluated 2024-11-08.

Conditions:
INF2-related disorder. Also called: INF2-related condition.
Focal segmental glomerulosclerosis 5 (FSGS5). Identifiers: Orphanet 656, MedGen C2750475, MONDO:0013191, OMIM 613237.
Charcot-Marie-Tooth disease dominant intermediate E. Also called: CHARCOT-MARIE-TOOTH NEUROPATHY WITH FOCAL SEGMENTAL GLOMERULONEPHRITIS. Identifiers: Orphanet 93114, MedGen C4302667, MONDO:0013758, OMIM 614455.

Submissions (2):

Labcorp Genetics (formerly Invitae), Labcorp
Classification: Likely benign for Charcot-Marie-Tooth disease dominant intermediate E; Focal segmental glomerulosclerosis 5. Last evaluated: 2024-11-08. Review status: criteria provided, single submitter. Criteria: Invitae Variant Classification Sherloc (09022015). Collection method: clinical testing. Allele origin: germline.

PreventionGenetics, part of Exact Sciences
Classification: Likely benign for INF2-related condition. Last evaluated: 2019-07-23. Review status: no assertion criteria provided. Collection method: clinical testing. Allele origin: germline. Not counted in ClinVar's aggregate classification.
Comment: This variant is classified as likely benign based on ACMG/AMP sequence variant interpretation guidelines (Richards et al. 2015 PMID: 25741868, with internal and published modifications).